The following is an entry in ClinVar:

NM_006363.6(SEC23B):c.820G>A (p.Val274Ile)

Gene: SEC23B (SEC23 homolog B, COPII component; plus strand). Cytogenetic location: 20p11.23.
Variant type: single nucleotide variant.
Coding change: c.820G>A on transcript NM_006363.6 (MANE Select); coding-DNA position 820, G replaced by A.
Protein change: p.Val274Ile; replaces valine 274 with isoleucine.
Molecular consequence: missense variant.
Genome position (GRCh38, 1-based): chr20:18,525,918, G>A. VCF-style: chr20-18525918-G-A. GRCh37 (hg19) VCF-style: chr20-18506562-G-A.
Other names: c.820G>A, p.Val274Ile (NM_001172745.3, NM_032985.6, NM_032986.5); c.766G>A, p.Val256Ile (NM_001172746.3); short protein forms V274I, V256I.
Identifiers: ClinVar variation 1038798 (VCV001038798.9), dbSNP rs747388303, ClinGen allele CA408359981.

ClinVar aggregate classification (germline): Uncertain significance (1 of 4 stars; one submission).

Conditions:
Congenital dyserythropoietic anemia, type II (CDAN2). Also called: DYSERYTHROPOIETIC ANEMIA, HEMPAS TYPE. Identifiers: Orphanet 98873, MedGen C1306589, MONDO:0009134, OMIM 224100.
Cowden syndrome 7 (CWS7). Identifiers: Orphanet 201, MedGen C4225179, MONDO:0014802, OMIM 616858.

Submission:

Labcorp Genetics (formerly Invitae), Labcorp
Classification: Uncertain significance for Congenital dyserythropoietic anemia, type II; Cowden syndrome 7. Last evaluated: 2020-09-24. Review status: criteria provided, single submitter. Criteria: Invitae Variant Classification Sherloc (09022015). Collection method: clinical testing. Allele origin: germline.
Comment: This sequence change replaces valine with isoleucine at codon 274 of the SEC23B protein (p.Val274Ile). The valine residue is highly conserved and there is a small physicochemical difference between valine and isoleucine. This variant is not present in population databases (ExAC no frequency). This variant has not been reported in the literature in individuals with SEC23B-related conditions. Algorithms developed to predict the effect of missense changes on protein structure and function (SIFT, PolyPhen-2, Align-GVGD) all suggest that this variant is likely to be tolerated, but these predictions have not been confirmed by published functional studies and their clinical significance is uncertain. In summary, the available evidence is currently insufficient to determine the role of this variant in disease. Therefore, it has been classified as a Variant of Uncertain Significance.